The following is an entry in ClinVar:

NM_005560.6(LAMA5):c.5132C>T (p.Thr1711Ile)

Gene: LAMA5 (laminin subunit alpha 5; minus strand). Cytogenetic location: 20q13.33.
Variant type: single nucleotide variant.
Coding change: c.5132C>T on transcript NM_005560.6 (MANE Select); coding-DNA position 5132, C replaced by T.
Protein change: p.Thr1711Ile; replaces threonine 1711 with isoleucine.
Molecular consequence: missense variant.
Genome position (GRCh38, 1-based): chr20:62,326,947, G>A on the plus strand (C>T on the coding strand, the complement: LAMA5 is on the minus strand). VCF-style: chr20-62326947-G-A. GRCh37 (hg19) VCF-style: chr20-60902003-G-A.
Other names: short protein forms T1711I.
Identifiers: ClinVar variation 3357856 (VCV003357856.1).
Genomic context (GRCh38, chr20:62,326,947, plus strand): 5'-CTCTCCATGGGGACAAAGACATCTCCCCGCTGGGTCTCTGAGTGCAGTTCATAACGGAGG[G>A]TCCCACCGTAGGATGACACCTGGAGGCAGGACAGACAGAGGTGACCTGGCCAGACTCTGG-3'
Protein context (NP_005551.3, residues 1701-1721): LGDRVSSYGG[Thr1711Ile]LRYELHSETQ

ClinVar aggregate classification (germline): Uncertain significance (0 of 4 stars; one submission).

Conditions:
LAMA5-related disorder. Also called: LAMA5-related condition; LAMA5-Related Disorders.

gnomAD v4.1: 19 of 1,609,396 alleles (0.0012%); highest among the groups gnomAD compares: Non-Finnish European, 0.0014%; no homozygotes.

Submission:

PreventionGenetics, part of Exact Sciences
Classification: Uncertain significance for LAMA5-related condition. Last evaluated: 2024-03-18. Review status: no assertion criteria provided. Collection method: clinical testing. Allele origin: germline.
Comment: The LAMA5 c.5132C>T variant is predicted to result in the amino acid substitution p.Thr1711Ile. To our knowledge, this variant has not been reported in the literature. This variant is reported in 0.0045% of alleles in individuals of European (Non-Finnish) descent in gnomAD. At this time, the clinical significance of this variant is uncertain due to the absence of conclusive functional and genetic evidence.